The following is an entry in ClinVar:

NM_032603.5(LOXL3):c.1123C>T (p.Arg375Cys)

Gene: LOXL3 (lysyl oxidase like 3; minus strand). Cytogenetic location: 2p13.1.
Variant type: single nucleotide variant.
Coding change: c.1123C>T on transcript NM_032603.5 (MANE Select); coding-DNA position 1123, C replaced by T.
Protein change: p.Arg375Cys; replaces arginine 375 with cysteine.
Molecular consequence: missense variant.
Genome position (GRCh38, 1-based): chr2:74,536,121, G>A on the plus strand (C>T on the coding strand, the complement: LOXL3 is on the minus strand). VCF-style: chr2-74536121-G-A. GRCh37 (hg19) VCF-style: chr2-74763248-G-A.
Other names: c.688C>T, p.Arg230Cys (NM_001289164.3); c.40C>T, p.Arg14Cys (NM_001289165.2); short protein forms R14C, R230C, R375C.
Identifiers: ClinVar variation 1568780 (VCV001568780.9), dbSNP rs114785633, ClinGen allele CA1728969.

ClinVar aggregate classification (germline): Benign/Likely benign. Review status: criteria provided, multiple submitters, no conflicts (2 of 4 stars). 3 submissions from 3 submitters: Benign (2); Likely benign (1). Last evaluated 2026-06-03.

Allele frequency attached by ClinVar (database versions not stated): 1000 Genomes Project 0.00659; 1000 Genomes Project 30x 0.00718; gnomAD exomes 0.00148; ExAC 0.00171; ESP Exome Variant Server 0.00484.
gnomAD v4.1: 1,625 of 1,613,912 alleles (0.1%); highest among the groups gnomAD compares: African/African-American, 1.4%; 15 homozygotes.

Submissions (3):

Women's Health and Genetics/Laboratory Corporation of America, LabCorp
Classification: Likely benign. Last evaluated: 2026-06-03. Review status: criteria provided, single submitter. Criteria: LabCorp Variant Classification Summary - May 2015. Collection method: clinical testing. Allele origin: germline.
Comment: Variant summary: LOXL3 c.1123C>T (p.Arg375Cys) results in a non-conservative amino acid change in the encoded protein sequence. Algorithms developed to predict the effect of missense changes on protein structure and function all suggest that this variant is likely to be disruptive. The variant allele was found at a frequency of 0.0015 in 251160 control chromosomes, predominantly at a frequency of 0.015 within the African or African-American subpopulation in the gnomAD database, including 2 homozygotes. The observed variant frequency within African or African-American control individuals in the gnomAD database exceeds the estimated maximal expected allele frequency for disease-causing variants in LOXL3. To our knowledge, no occurrence of c.1123C>T in individuals affected with LOXL3-related conditions and no experimental evidence demonstrating its impact on protein function have been reported. ClinVar contains an entry for this variant (Variation ID: 1568780). Based on the evidence outlined above, the variant was classified as likely benign.

Labcorp Genetics (formerly Invitae), Labcorp
Classification: Benign. Last evaluated: 2026-02-01. Review status: criteria provided, single submitter. Criteria: Invitae Variant Classification Sherloc (09022015). Collection method: clinical testing. Allele origin: germline.

Breakthrough Genomics
Classification: Benign. Review status: criteria provided, single submitter. Criteria: ACMG Guidelines, 2015. Collection method: not provided. Allele origin: germline. Inheritance: Autosomal recessive inheritance. Affected: yes.